The following is an entry in ClinVar:

NM_000593.6(TAP1):c.1108G>T (p.Ala370Ser)

Gene: TAP1 (transporter 1, ATP binding cassette subfamily B member; minus strand). Cytogenetic location: 6p21.32.
Variant type: single nucleotide variant.
Coding change: c.1108G>T on transcript NM_000593.6 (MANE Select); coding-DNA position 1108, G replaced by T.
Protein change: p.Ala370Ser; replaces alanine 370 with serine.
Molecular consequence: missense variant.
Genome position (GRCh38, 1-based): chr6:32,850,460, C>A on the plus strand (G>T on the coding strand, the complement: TAP1 is on the minus strand). VCF-style: chr6-32850460-C-A. GRCh37 (hg19) VCF-style: chr6-32818237-C-A.
Other names: c.505G>T, p.Ala169Ser (NM_001292022.2); short protein forms A169S, A370S.
Identifiers: ClinVar variation 1401911 (VCV001401911.7), dbSNP rs767281649, ClinGen allele CA3746858.

ClinVar aggregate classification (germline): Uncertain significance (1 of 4 stars; one submission).

Conditions:
MHC class I deficiency. Identifiers: Orphanet 34592, MedGen C6024714, MONDO:0011476.

Allele frequency attached by ClinVar (database versions not stated): gnomAD exomes 0.00001; ExAC 0.00002.

Submission:

Labcorp Genetics (formerly Invitae), Labcorp
Classification: Uncertain significance for MHC class I deficiency 1. Last evaluated: 2024-12-12. Review status: criteria provided, single submitter. Criteria: Invitae Variant Classification Sherloc (09022015). Collection method: clinical testing. Allele origin: germline.
Comment: This sequence change replaces alanine, which is neutral and non-polar, with serine, which is neutral and polar, at codon 430 of the TAP1 protein (p.Ala430Ser). This variant is present in population databases (rs767281649, gnomAD 0.003%). This variant has not been reported in the literature in individuals affected with TAP1-related conditions. ClinVar contains an entry for this variant (Variation ID: 1401911). An algorithm developed to predict the effect of missense changes on protein structure and function (PolyPhen-2) suggests that this variant is likely to be tolerated. In summary, the available evidence is currently insufficient to determine the role of this variant in disease. Therefore, it has been classified as a Variant of Uncertain Significance.